The following is an entry in ClinVar:

NM_016188.5(ACTL6B):c.527C>T (p.Ala176Val)

Gene: ACTL6B (actin like 6B; minus strand). Cytogenetic location: 7q22.1.
Variant type: single nucleotide variant.
Coding change: c.527C>T on transcript NM_016188.5 (MANE Select); coding-DNA position 527, C replaced by T.
Protein change: p.Ala176Val; replaces alanine 176 with valine.
Molecular consequence: missense variant. On other transcripts: non-coding transcript variant (1).
Genome position (GRCh38, 1-based): chr7:100,648,764, G>A on the plus strand (C>T on the coding strand, the complement: ACTL6B is on the minus strand). VCF-style: chr7-100648764-G-A. GRCh37 (hg19) VCF-style: chr7-100246387-G-A.
Other names: short protein forms A176V.
Identifiers: ClinVar variation 3346769 (VCV003346769.1).

ClinVar aggregate classification (germline): Uncertain significance (0 of 4 stars; one submission).

Conditions:
ACTL6B-related disorder. Also called: ACTL6B-related condition.

Submission:

PreventionGenetics, part of Exact Sciences
Classification: Uncertain significance for ACTL6B-related condition. Last evaluated: 2024-08-23. Review status: no assertion criteria provided. Collection method: clinical testing. Allele origin: germline.
Comment: The ACTL6B c.527C>T variant is predicted to result in the amino acid substitution p.Ala176Val. To our knowledge, this variant has not been reported in the literature or in a large population database, indicating this variant is rare. At this time, the clinical significance of this variant is uncertain due to the absence of conclusive functional and genetic evidence.